The following is an entry in ClinVar:

NM_001458.5(FLNC):c.7560C>T (p.Thr2520=)

Genes: FLNC (filamin C; plus strand), FLNC-AS1 (FLNC antisense RNA 1; minus strand). Cytogenetic location: 7q32.1.
Variant type: single nucleotide variant.
Coding change: c.7560C>T on transcript NM_001458.5 (MANE Select); coding-DNA position 7560, C replaced by T.
Protein change: p.Thr2520=; no amino-acid change (threonine 2520 retained).
Molecular consequence: synonymous variant.
Genome position (GRCh38, 1-based): chr7:128,856,920, C>T. VCF-style: chr7-128856920-C-T. GRCh37 (hg19) VCF-style: chr7-128496974-C-T.
Other names: c.7461C>T, p.Thr2487= (NM_001127487.2).
Identifiers: ClinVar variation 472177 (VCV000472177.46), dbSNP rs527921534, ClinGen allele CA4476292.

ClinVar aggregate classification (germline): Conflicting classifications of pathogenicity. Review status: criteria provided, conflicting classifications (1 of 4 stars). 5 submissions from 5 submitters: Uncertain significance (2); Likely benign (3). Last evaluated 2025-12-16.

Conditions:
Cardiovascular phenotype. Identifiers: MedGen CN230736.
Hypertrophic cardiomyopathy 26. Also called: Cardiomyopathy, familial hypertrophic, 26. Identifiers: Orphanet 75249, MedGen C4310749, MONDO:0014883, OMIM 617047.
Myofibrillar myopathy 5. Also called: Filaminopathy (type); FILAMINOPATHY, AUTOSOMAL DOMINANT. Identifiers: Orphanet 171445, MedGen C1836050, MONDO:0012289, OMIM 609524.
Distal myopathy with posterior leg and anterior hand involvement. Also called: WILLIAMS DISTAL MYOPATHY. Identifiers: Orphanet 63273, MedGen C3279722, MONDO:0013550, OMIM 614065.

Allele frequency attached by ClinVar (database versions not stated): 1000 Genomes Project 0.00020; 1000 Genomes Project 30x 0.00031; gnomAD exomes 0.00003; TOPMed 0.00003; gnomAD 0.00004 and 0.00005; ExAC 0.00006.
gnomAD v4.1: 61 of 1,613,742 alleles (0.0038%); highest among the groups gnomAD compares: East Asian, 0.027%; no homozygotes.

Submissions (5):

Labcorp Genetics (formerly Invitae), Labcorp
Classification: Uncertain significance for Distal myopathy with posterior leg and anterior hand involvement; Myofibrillar myopathy 5; Hypertrophic cardiomyopathy 26. Last evaluated: 2025-12-16. Review status: criteria provided, single submitter. Criteria: Invitae Variant Classification Sherloc (09022015). Collection method: clinical testing. Allele origin: germline.
Comment: This sequence change affects codon 2520 of the FLNC mRNA. It is a 'silent' change, meaning that it does not change the encoded amino acid sequence of the FLNC protein. It affects a nucleotide within the consensus splice site. This variant is present in population databases (rs527921534, gnomAD 0.02%). This variant has been observed in individual(s) with hypertrophic cardiomyopathy (internal data). ClinVar contains an entry for this variant (Variation ID: 472177). Algorithms developed to predict the effect of sequence changes on RNA splicing suggest that this variant is not likely to affect RNA splicing. In summary, the available evidence is currently insufficient to determine the role of this variant in disease. Therefore, it has been classified as a Variant of Uncertain Significance.

Revvity Omics, Revvity
Classification: Likely benign. Last evaluated: 2023-10-20. Review status: criteria provided, single submitter. Criteria: ACMG Guidelines, 2015. Collection method: clinical testing. Allele origin: germline.

Ambry Genetics
Classification: Likely benign for Cardiovascular phenotype. Last evaluated: 2022-12-12. Review status: criteria provided, single submitter. Criteria: Ambry Variant Classification Scheme 2023. Collection method: clinical testing. Allele origin: germline.

CeGaT Center for Human Genetics Tuebingen
Classification: Likely benign. Last evaluated: 2021-11-01. Review status: criteria provided, single submitter. Criteria: CeGaT Center For Human Genetics Tuebingen Variant Classification Criteria Version 2. Collection method: clinical testing. Allele origin: germline. Affected: yes. Observed: 1 variant allele.

Stanford Center for Inherited Cardiovascular Disease, Stanford University
Classification: Uncertain significance. Last evaluated: 2017-09-11. Review status: criteria provided, single submitter. Criteria: ACMG Guidelines, 2015. Collection method: provider interpretation. Allele origin: germline.